The following is an entry in ClinVar:

NM_001913.5(CUX1):c.18A>G (p.Gly6=)

Gene: CUX1 (cut like homeobox 1; plus strand). Cytogenetic location: 7q22.1.
Variant type: single nucleotide variant.
Coding change: c.18A>G on transcript NM_001913.5 (MANE Plus Clinical); coding-DNA position 18, A replaced by G.
Protein change: p.Gly6=; no amino-acid change (glycine 6 retained).
Molecular consequence: synonymous variant.
Genome position (GRCh38, 1-based): chr7:101,816,048, A>G. VCF-style: chr7-101816048-A-G. GRCh37 (hg19) VCF-style: chr7-101459328-A-G.
Other names: c.18A>G, p.Gly6= (NM_001202543.2, NM_001202544.3, NM_001202545.3 and 2 more transcripts).
Identifiers: ClinVar variation 4534786 (VCV004534786.6).

ClinVar aggregate classification (germline): Likely benign (1 of 4 stars; one submission).

Submission:

CeGaT Center for Human Genetics Tuebingen
Classification: Likely benign. Last evaluated: 2025-10-01. Review status: criteria provided, single submitter. Criteria: CeGaT Center For Human Genetics Tuebingen Variant Classification Criteria Version 2. Collection method: clinical testing. Allele origin: germline. Affected: yes. Observed: 1 variant allele.
Comment: CUX1: BP4, BP7